The following is an entry in ClinVar:

NM_001378452.1(ITPR1):c.6425T>C (p.Val2142Ala)

Gene: ITPR1 (inositol 1,4,5-trisphosphate receptor type 1; plus strand). Cytogenetic location: 3p26.1.
Variant type: single nucleotide variant.
Coding change: c.6425T>C on transcript NM_001378452.1 (MANE Select); coding-DNA position 6425, T replaced by C.
Protein change: p.Val2142Ala; replaces valine 2142 with alanine.
Molecular consequence: missense variant.
Genome position (GRCh38, 1-based): chr3:4,782,656, T>C. VCF-style: chr3-4782656-T-C. GRCh37 (hg19) VCF-style: chr3-4824340-T-C.
Other names: c.6281T>C, p.Val2094Ala (NM_001099952.4); c.6380T>C, p.Val2127Ala (NM_001168272.2); c.6236T>C, p.Val2079Ala (NM_002222.7); short protein forms V2142A, V2079A, V2094A, V2127A.
Identifiers: ClinVar variation 3641076 (VCV003641076.2).

ClinVar aggregate classification (germline): Uncertain significance (1 of 4 stars; one submission).

Submission:

Labcorp Genetics (formerly Invitae), Labcorp
Classification: Uncertain significance. Last evaluated: 2024-02-15. Review status: criteria provided, single submitter. Criteria: Invitae Variant Classification Sherloc (09022015). Collection method: clinical testing. Allele origin: germline.
Comment: This sequence change replaces valine, which is neutral and non-polar, with alanine, which is neutral and non-polar, at codon 2079 of the ITPR1 protein (p.Val2079Ala). This variant is not present in population databases (gnomAD no frequency). This variant has not been reported in the literature in individuals affected with ITPR1-related conditions. Advanced modeling of protein sequence and biophysical properties (such as structural, functional, and spatial information, amino acid conservation, physicochemical variation, residue mobility, and thermodynamic stability) performed at Invitae indicates that this missense variant is not expected to disrupt ITPR1 protein function with a negative predictive value of 95%. In summary, the available evidence is currently insufficient to determine the role of this variant in disease. Therefore, it has been classified as a Variant of Uncertain Significance.